The following is an entry in ClinVar:

NM_001161352.2(KCNMA1):c.2414A>G (p.Asn805Ser)

Genes: KCNMA1-AS1 (KCNMA1 antisense RNA 1; plus strand), KCNMA1 (potassium calcium-activated channel subfamily M alpha 1; minus strand). Cytogenetic location: 10q22.3.
Variant type: single nucleotide variant.
Coding change: c.2414A>G on transcript NM_001161352.2 (MANE Select); coding-DNA position 2414, A replaced by G.
Protein change: p.Asn805Ser; replaces asparagine 805 with serine.
Molecular consequence: missense variant.
Genome position (GRCh38, 1-based): chr10:76,953,871, T>C on the plus strand (A>G on the coding strand, the complement: KCNMA1 is on the minus strand). VCF-style: chr10-76953871-T-C. GRCh37 (hg19) VCF-style: chr10-78713629-T-C.
Other names: c.2252A>G, p.Asn751Ser (NM_001014797.3, NM_001322835.2, NM_001322837.2); c.2240A>G, p.Asn747Ser (NM_001161353.2, NM_001322832.2, NM_002247.4); c.2090A>G, p.Asn697Ser (NM_001271518.2); c.2249A>G, p.Asn750Ser (NM_001271519.2, NM_001322829.2, NM_001322836.2); c.2261A>G, p.Asn754Ser (NM_001322830.2); c.1787A>G, p.Asn596Ser (NM_001322838.2); short protein forms N805S, N754S, N697S, N747S, N751S, N596S, N750S.
Identifiers: ClinVar variation 842536 (VCV000842536.11), dbSNP rs1211672809, ClinGen allele CA377407689.

ClinVar aggregate classification (germline): Uncertain significance. Review status: criteria provided, multiple submitters, no conflicts (2 of 4 stars). 2 submissions from 2 submitters: Uncertain significance (2). Last evaluated 2023-05-18.

Conditions:
KCNMA1-related disorder. Also called: KCNMA1-related disorders; KCNMA1-related condition.
Generalized epilepsy-paroxysmal dyskinesia syndrome (PNKD3). Also called: Generalized epilepsy and paroxysmal dyskinesia; Paroxysmal nonkinesigenic dyskinesia, 3, with or without generalized epilepsy. Identifiers: Orphanet 79137, MedGen C5574945, MONDO:0012276, OMIM 609446.

Allele frequency attached by ClinVar (database versions not stated): gnomAD exomes below 0.00001; TOPMed below 0.00001; gnomAD 0.00001.
gnomAD v4.1: 3 of 1,613,922 alleles (0.00019%); highest among the groups gnomAD compares: East Asian, 0.0022%; no homozygotes.

Submissions (2):

PreventionGenetics, part of Exact Sciences
Classification: Uncertain significance for KCNMA1-related condition. Last evaluated: 2023-05-18. Review status: criteria provided, single submitter. Criteria: ACMG Guidelines, 2015. Collection method: clinical testing. Allele origin: germline.
Comment: The KCNMA1 c.2240A>G variant is predicted to result in the amino acid substitution p.Asn747Ser. To our knowledge, this variant has not been reported in the literature. This variant is reported in 0.0065% of alleles in individuals of European (Non-Finnish) descent in gnomAD. At this time, the clinical significance of this variant is uncertain due to the absence of conclusive functional and genetic evidence.

Labcorp Genetics (formerly Invitae), Labcorp
Classification: Uncertain significance for Generalized epilepsy-paroxysmal dyskinesia syndrome. Last evaluated: 2022-08-09. Review status: criteria provided, single submitter. Criteria: Invitae Variant Classification Sherloc (09022015). Collection method: clinical testing. Allele origin: germline.
Comment: In summary, the available evidence is currently insufficient to determine the role of this variant in disease. Therefore, it has been classified as a Variant of Uncertain Significance. Algorithms developed to predict the effect of missense changes on protein structure and function (SIFT, PolyPhen-2, Align-GVGD) all suggest that this variant is likely to be tolerated. ClinVar contains an entry for this variant (Variation ID: 842536). This variant has not been reported in the literature in individuals affected with KCNMA1-related conditions. This variant is present in population databases (no rsID available, gnomAD 0.007%). This sequence change replaces asparagine, which is neutral and polar, with serine, which is neutral and polar, at codon 747 of the KCNMA1 protein (p.Asn747Ser).